The following is an entry in ClinVar:

NM_012330.4(KAT6B):c.4528del (p.Glu1510fs)

Gene: KAT6B (lysine acetyltransferase 6B; plus strand). Cytogenetic location: 10q22.2.
Variant type: Deletion.
Coding change: c.4528del on transcript NM_012330.4 (MANE Select); coding-DNA position 4528, one base deleted (G; older notation c.4528delG).
Protein change: p.Glu1510fs; shifts the reading frame from glutamic acid 1510.
Molecular consequence: frameshift variant.
Genome position (GRCh38, 1-based): chr10:75,029,352, G deleted. VCF-style (leftmost placement, unchanged base first): chr10-75029351-AG-A. GRCh37 (hg19) VCF-style: chr10-76789109-AG-A.
Other names: c.3979del, p.Glu1327fs (NM_001256468.2, NM_001370138.1); c.3652del, p.Glu1218fs (NM_001256469.2, NM_001370139.1, NM_001370140.1 and 2 more transcripts); c.3490del, p.Glu1164fs (NM_001370132.1); c.2839del, p.Glu947fs (NM_001370133.1); c.2443del, p.Glu815fs (NM_001370134.1); c.2185del, p.Glu729fs (NM_001370135.1); c.4528del, p.Glu1510fs (NM_001370136.1, NM_001370137.1); c.3463del, p.Glu1155fs (NM_001370143.1, NM_001370144.1); short protein forms E729fs, E1155fs, E815fs, E947fs, E1218fs, E1327fs, E1164fs, E1510fs.
Identifiers: ClinVar variation 1993834 (VCV001993834.4), dbSNP rs2467005062, ClinGen allele CA2580082033.

ClinVar aggregate classification (germline): Pathogenic (1 of 4 stars; one submission).

Conditions:
Genitopatellar syndrome (GTPTS). Also called: ABSENT PATELLAE, SCROTAL HYPOPLASIA, RENAL ANOMALIES, FACIAL DYSMORPHISM, AND MENTAL RETARDATION; Genitopatellar syndrome (GPS). Identifiers: Orphanet 85201, MedGen C1853566, MONDO:0011640, OMIM 606170.

Submission:

Labcorp Genetics (formerly Invitae), Labcorp
Classification: Pathogenic for Genitopatellar syndrome. Last evaluated: 2024-01-22. Review status: criteria provided, single submitter. Criteria: Invitae Variant Classification Sherloc (09022015). Collection method: clinical testing. Allele origin: germline.
Comment: This sequence change creates a premature translational stop signal (p.Glu1510Asnfs*39) in the KAT6B gene. While this is not anticipated to result in nonsense mediated decay, it is expected to disrupt the last 564 amino acid(s) of the KAT6B protein. This variant is not present in population databases (gnomAD no frequency). This variant has not been reported in the literature in individuals affected with KAT6B-related conditions. ClinVar contains an entry for this variant (Variation ID: 1993834). This variant disrupts a region of the KAT6B protein in which other variant(s) (p.Gln1911*) have been determined to be pathogenic (PMID: 25424711; Invitae). This suggests that this is a clinically significant region of the protein, and that variants that disrupt it are likely to be disease-causing. For these reasons, this variant has been classified as Pathogenic.

Literature cited by the submitters: PubMed 25424711.